The following is an entry in ClinVar:

ClinVar aggregate classification (germline): Conflicting classifications of pathogenicity. Review status: criteria provided, conflicting classifications (1 of 4 stars). 2 submissions from 2 submitters: Uncertain significance (1); Likely benign (1). Last evaluated 2025-09-03.

Conditions:
Familial hypobetalipoproteinemia 1. Also called: APOB-Related Familial Hypobetalipoproteinemia; Hypobetalipoproteinemia, normotriglyceridemic; Acanthocytosis with hypobetalipoproteinemia. Identifiers: MedGen C4551990, MONDO:0014252, OMIM 615558.
Hypercholesterolemia, autosomal dominant, type B (FHCL2). Also called: APOLIPOPROTEIN B-100, FAMILIAL DEFECTIVE; APOLIPOPROTEIN B-100, FAMILIAL LIGAND-DEFECTIVE; HYPERCHOLESTEROLEMIA, FAMILIAL, DUE TO LIGAND-DEFECTIVE APOLIPOPROTEIN B; Familial Hypercholesterolemia Type B; Familial hypercholesterolemia 2; APOB-Related Familial Hypercholesterolemia, Autosomal Dominant. Identifiers: MedGen C1704417, MONDO:0007751, OMIM 144010.
Cardiovascular phenotype. Identifiers: MedGen CN230736.

Allele frequency attached by ClinVar (database versions not stated): gnomAD exomes 0.00001; ExAC 0.00002; gnomAD 0.00003; TOPMed 0.00003.
gnomAD v4.1: 18 of 1,614,084 alleles (0.0011%); highest among the groups gnomAD compares: African/African-American, 0.0027%; no homozygotes.

Submissions (2):

Labcorp Genetics (formerly Invitae), Labcorp
Classification: Likely benign for Familial hypobetalipoproteinemia 1; Hypercholesterolemia, autosomal dominant, type B. Last evaluated: 2025-09-03. Review status: criteria provided, single submitter. Criteria: Invitae Variant Classification Sherloc (09022015). Collection method: clinical testing. Allele origin: germline.

Ambry Genetics
Classification: Uncertain significance for Cardiovascular phenotype. Last evaluated: 2024-06-18. Review status: criteria provided, single submitter. Criteria: Ambry Variant Classification Scheme 2023. Collection method: clinical testing. Allele origin: germline.
Comment: The p.F178Y variant (also known as c.533T>A), located in coding exon 5 of the APOB gene, results from a T to A substitution at nucleotide position 533. The phenylalanine at codon 178 is replaced by tyrosine, an amino acid with highly similar properties. This amino acid position is conserved. In addition, this alteration is predicted to be tolerated by in silico analysis. Based on the available evidence, the clinical significance of this variant remains unclear.

NM_000384.3(APOB):c.533T>A (p.Phe178Tyr)

Gene: APOB (apolipoprotein B; minus strand). Cytogenetic location: 2p24.1.
Variant type: single nucleotide variant.
Coding change: c.533T>A on transcript NM_000384.3 (MANE Select); coding-DNA position 533, T replaced by A.
Protein change: p.Phe178Tyr; replaces phenylalanine 178 with tyrosine.
Molecular consequence: missense variant.
Genome position (GRCh38, 1-based): chr2:21,037,962, A>T on the plus strand (T>A on the coding strand, the complement: APOB is on the minus strand). VCF-style: chr2-21037962-A-T. GRCh37 (hg19) VCF-style: chr2-21260834-A-T.
Other names: short protein forms F178Y.
Identifiers: ClinVar variation 2617216 (VCV002617216.6), dbSNP rs768286574, ClinGen allele CA061929.